The following is an entry in ClinVar:

ClinVar aggregate classification (germline): Uncertain significance. Review status: criteria provided, multiple submitters, no conflicts (2 of 4 stars). 2 submissions from 2 submitters: Uncertain significance (2). Last evaluated 2024-09-27.

Allele frequency attached by ClinVar (database versions not stated): TOPMed 0.00002.
gnomAD v4.1: 19 of 1,611,054 alleles (0.0012%); highest among the groups gnomAD compares: African/African-American, 0.0013%; no homozygotes.

Submissions (2):

Labcorp Genetics (formerly Invitae), Labcorp
Classification: Uncertain significance. Last evaluated: 2024-09-27. Review status: criteria provided, single submitter. Criteria: Invitae Variant Classification Sherloc (09022015). Collection method: clinical testing. Allele origin: germline.
Comment: This sequence change replaces methionine, which is neutral and non-polar, with valine, which is neutral and non-polar, at codon 63 of the PPM1F protein (p.Met63Val). The frequency data for this variant in the population databases is considered unreliable, as metrics indicate poor data quality at this position in the gnomAD database. This variant has not been reported in the literature in individuals affected with PPM1F-related conditions. An algorithm developed to predict the effect of missense changes on protein structure and function outputs the following: PolyPhen-2: "Benign". The valine amino acid residue is found in multiple mammalian species, which suggests that this missense change does not adversely affect protein function. In summary, the available evidence is currently insufficient to determine the role of this variant in disease. Therefore, it has been classified as a Variant of Uncertain Significance.

Ambry Genetics
Classification: Uncertain significance. Last evaluated: 2023-12-14. Review status: criteria provided, single submitter. Criteria: Ambry Variant Classification Scheme 2023. Collection method: clinical testing. Allele origin: germline.

NM_014634.4(PPM1F):c.187A>G (p.Met63Val)

Gene: PPM1F (protein phosphatase, Mg2+/Mn2+ dependent 1F; minus strand). Cytogenetic location: 22q11.22.
Variant type: single nucleotide variant.
Coding change: c.187A>G on transcript NM_014634.4 (MANE Select); coding-DNA position 187, A replaced by G.
Protein change: p.Met63Val; replaces methionine 63 with valine.
Molecular consequence: missense variant. On other transcripts: intron variant (1).
Genome position (GRCh38, 1-based): chr22:21,945,862, T>C on the plus strand (A>G on the coding strand, the complement: PPM1F is on the minus strand). VCF-style: chr22-21945862-T-C. GRCh37 (hg19) VCF-style: chr22-22300234-T-C.
Other names: c.-298-6182A>G (NM_001410836.1); short protein forms M63V.
Identifiers: ClinVar variation 3217335 (VCV003217335.3), dbSNP rs376410604, ClinGen allele CA322348560.